The following is an entry in ClinVar:

ClinVar aggregate classification (germline): Pathogenic (1 of 4 stars; one submission).

Submission:

Labcorp Genetics (formerly Invitae), Labcorp
Classification: Pathogenic. Last evaluated: 2024-03-02. Review status: criteria provided, single submitter. Criteria: Invitae Variant Classification Sherloc (09022015). Collection method: clinical testing. Allele origin: germline.
Comment: This sequence change inserts a large fragment of DNA, likely a transposable element, in exon 9 of the PDE6A gene (c.1161_1162ins?), causing a frameshift at codon 388 (p.Met388fs). The exact size and sequence of the insertion cannot be determined by the current assay. However, the insertion is expected to result in an absent or disrupted protein product. This variant is not present in population databases (gnomAD no frequency). This variant has not been reported in the literature in individuals affected with PDE6A-related conditions. Retrotransposon insertions including LINE1 (L1), Alu, and SVA (SINE-VNTR-Alu) have been reported to be disease-causing through disruption of either a coding region or splice site (PMID: 19763152, 20307669, 22406018) and loss-of-function variants in PDE6A are known to be pathogenic (PMID: 7493036, 22128245, 23847139). For these reasons, this variant has been classified as Pathogenic.

Literature cited by the submitters: PubMed 19763152; PubMed 20307669; PubMed 22406018; PubMed 7493036; PubMed 22128245; PubMed 23847139.

NM_000440.3(PDE6A):c.1161_1162insCCTGTAATCCCAGCACTTTGGGAGGCCGAGGCGGGTGGATCATGAGGTCAGGAGATCGAGACCATCCTGGCTANNNNNNNNNNAAAAAAAAAAAAAAAAAAAAAAAAATGTGCTTTCA (p.Met388delinsProValIleProAlaLeuTrpGluAlaGluAlaGlyGlySerTer)

Gene: PDE6A (phosphodiesterase 6A; minus strand). Cytogenetic location: 5q32.
Variant type: Insertion.
Coding change: c.1161_1162insCCTGTAATCCCAGCACTTTGGGAGGCCGAGGCGGGTGGATCATGAGGTCAGGAGATCGAGACCATCCTGGCTANNNNNNNNNNAAAAAAAAAAAAAAAAAAAAAAAAATGTGCTTTCA on transcript NM_000440.3 (MANE Select); coding-DNA positions 1161 to 1162, CCTGTAATCCCAGCACTTTGGGAGGCCGAGGCGGGTGGATCATGAGGTCAGGAGATCGAGACCATCCTGGCTANNNNNNNNNNAAAAAAAAAAAAAAAAAAAAAAAAATGTGCTTTCA inserted.
Protein change: p.Met388delinsProValIleProAlaLeuTrpGluAlaGluAlaGlyGlySerTer.
Molecular consequence: nonsense.
Genome position: GRCh38: chr5:149,899,491-149,899,492. GRCh37 (hg19): chr5:149,279,054-149,279,055.
Other names: c.918_919insCCTGTAATCCCAGCACTTTGGGAGGCCGAGGCGGGTGGATCATGAGGTCAGGAGATCGAGACCATCCTGGCTANNNNNNNNNNAAAAAAAAAAAAAAAAAAAAAAAAATGTGCTTTCA, p.Met307delinsProValIleProAlaLeuTrpGluAlaGluAlaGlyGlySerTer (NM_001410788.1).
Identifiers: ClinVar variation 3644247 (VCV003644247.2).